The following is an entry in ClinVar:

ClinVar aggregate classification (germline): Uncertain significance. Review status: criteria provided, multiple submitters, no conflicts (2 of 4 stars). 2 submissions from 2 submitters: Uncertain significance (2). Last evaluated 2025-10-19.

Conditions:
Hereditary cancer-predisposing syndrome. Also called: Neoplastic Syndromes, Hereditary; Hereditary Cancer Syndrome; Tumor predisposition; Hereditary neoplastic syndrome. Identifiers: Orphanet 140162, MedGen C0027672, MeSH D009386, MONDO:0015356.
BAP1-related tumor predisposition syndrome (TPDS1). Also called: COMMON Syndrome; TUMOR PREDISPOSITION SYNDROME 1; Tumor susceptibility linked to germline BAP1 mutations; BAP1 tumor predisposition syndrome. Identifiers: Orphanet 289539, MedGen C3280492, MONDO:0013692, OMIM 614327.

gnomAD v4.1: 1 of 1,612,234 alleles (0.000062%); highest among the groups gnomAD compares: Non-Finnish European, 0.000085%; no homozygotes.

Submissions (2):

Labcorp Genetics (formerly Invitae), Labcorp
Classification: Uncertain significance for BAP1-related tumor predisposition syndrome. Last evaluated: 2025-10-19. Review status: criteria provided, single submitter. Criteria: Invitae Variant Classification Sherloc (09022015). Collection method: clinical testing. Allele origin: germline.
Comment: This sequence change replaces valine, which is neutral and non-polar, with methionine, which is neutral and non-polar, at codon 66 of the BAP1 protein (p.Val66Met). This variant is not present in population databases (gnomAD no frequency). This variant has not been reported in the literature in individuals affected with BAP1-related conditions. ClinVar contains an entry for this variant (Variation ID: 927216). Invitae Evidence Modeling of protein sequence and biophysical properties (such as structural, functional, and spatial information, amino acid conservation, physicochemical variation, residue mobility, and thermodynamic stability) indicates that this missense variant is not expected to disrupt BAP1 protein function with a negative predictive value of 80%. In summary, the available evidence is currently insufficient to determine the role of this variant in disease. Therefore, it has been classified as a Variant of Uncertain Significance.

Color Diagnostics, LLC DBA Color Health
Classification: Uncertain significance for Hereditary cancer-predisposing syndrome. Last evaluated: 2023-12-05. Review status: criteria provided, single submitter. Criteria: ACMG Guidelines, 2015. Collection method: clinical testing. Allele origin: germline.
Comment: This missense variant replaces valine with methionine at codon 66 of the BAP1 protein. Computational prediction tools and conservation analyses are inconclusive regarding the impact of this variant on the protein function. Computational splicing tools suggest that this variant may not impact RNA splicing. To our knowledge, functional assays have not been performed for this variant nor has this variant been reported in individuals affected with hereditary cancer in the literature. This variant has not been identified in the general population by the Genome Aggregation Database (gnomAD). Available evidence is insufficient to determine the role of this variant in disease conclusively. Therefore, this variant is classified as a Variant of Uncertain Significance.

NM_004656.4(BAP1):c.196G>A (p.Val66Met)

Gene: BAP1 (BRCA1 associated deubiquitinase 1; minus strand). Cytogenetic location: 3p21.1.
Variant type: single nucleotide variant.
Coding change: c.196G>A on transcript NM_004656.4 (MANE Select); coding-DNA position 196, G replaced by A.
Protein change: p.Val66Met; replaces valine 66 with methionine.
Molecular consequence: missense variant.
Genome position (GRCh38, 1-based): chr3:52,408,533, C>T on the plus strand (G>A on the coding strand, the complement: BAP1 is on the minus strand). VCF-style: chr3-52408533-C-T. GRCh37 (hg19) VCF-style: chr3-52442549-C-T.
Other names: short protein forms V66M.
Identifiers: ClinVar variation 927216 (VCV000927216.6), dbSNP rs777869443, ClinGen allele CA353113307.